The following is an entry in ClinVar:

ClinVar aggregate classification (germline): Uncertain significance (1 of 4 stars; one submission).

Conditions:
KBG syndrome (KBGS). Also called: ANKRD11-Related KBG Syndrome. Identifiers: Orphanet 2332, MedGen C0220687, MONDO:0007846, OMIM 148050.

gnomAD v4.1: 3 of 1,540,224 alleles (0.00019%); highest among the groups gnomAD compares: Admixed American, 0.0019%; no homozygotes.

Submission:

Labcorp Genetics (formerly Invitae), Labcorp
Classification: Uncertain significance for KBG syndrome. Last evaluated: 2025-10-11. Review status: criteria provided, single submitter. Criteria: Invitae Variant Classification Sherloc (09022015). Collection method: clinical testing. Allele origin: germline.
Comment: This sequence change replaces alanine, which is neutral and non-polar, with threonine, which is neutral and polar, at codon 2379 of the ANKRD11 protein (p.Ala2379Thr). This variant is present in population databases (no rsID available, gnomAD 0.004%). This variant has not been reported in the literature in individuals affected with ANKRD11-related conditions. Invitae Evidence Modeling of protein sequence and biophysical properties (such as structural, functional, and spatial information, amino acid conservation, physicochemical variation, residue mobility, and thermodynamic stability) indicates that this missense variant is not expected to disrupt ANKRD11 protein function with a negative predictive value of 95%. In summary, the available evidence is currently insufficient to determine the role of this variant in disease. Therefore, it has been classified as a Variant of Uncertain Significance.

NM_013275.6(ANKRD11):c.7135G>A (p.Ala2379Thr)

Gene: ANKRD11 (ankyrin repeat domain 11; minus strand). Cytogenetic location: 16q24.3.
Variant type: single nucleotide variant.
Coding change: c.7135G>A on transcript NM_013275.6 (MANE Select); coding-DNA position 7135, G replaced by A.
Protein change: p.Ala2379Thr; replaces alanine 2379 with threonine.
Molecular consequence: missense variant.
Genome position (GRCh38, 1-based): chr16:89,279,407, C>T on the plus strand (G>A on the coding strand, the complement: ANKRD11 is on the minus strand). VCF-style: chr16-89279407-C-T. GRCh37 (hg19) VCF-style: chr16-89345815-C-T.
Other names: c.7135G>A, p.Ala2379Thr (NM_001256182.2, NM_001256183.2); short protein forms A2379T.
Identifiers: ClinVar variation 4702874 (VCV004702874.1).